The following is an entry in ClinVar:

ClinVar aggregate classification (germline): Likely benign. Review status: criteria provided, multiple submitters, no conflicts (2 of 4 stars). 3 submissions from 3 submitters: Likely benign (3). Last evaluated 2026-01-19.

Conditions:
PLA2G6-related disorder. Also called: PLA2G6-related condition.
Infantile neuroaxonal dystrophy (NBIA2A). Also called: Infantile neuroaxonal dystrophy 1; NEURODEGENERATION WITH BRAIN IRON ACCUMULATION 2A; SEITELBERGER DISEASE. Identifiers: Orphanet 35069, MedGen C0270724, MONDO:0024457, OMIM 256600.

Allele frequency attached by ClinVar (database versions not stated): gnomAD exomes 0.00002; gnomAD 0.00003; TOPMed 0.00004; ExAC 0.00009; ESP Exome Variant Server 0.00015.
gnomAD v4.1: 35 of 1,564,846 alleles (0.0022%); highest among the groups gnomAD compares: African/African-American, 0.0041%; no homozygotes.

Submissions (3):

Labcorp Genetics (formerly Invitae), Labcorp
Classification: Likely benign for Infantile neuroaxonal dystrophy. Last evaluated: 2026-01-19. Review status: criteria provided, single submitter. Criteria: Invitae Variant Classification Sherloc (09022015). Collection method: clinical testing. Allele origin: germline.

PreventionGenetics, part of Exact Sciences
Classification: Likely benign for PLA2G6-related condition. Last evaluated: 2025-12-16. Review status: criteria provided, single submitter. Criteria: ACMG Guidelines, 2015. Collection method: clinical testing. Allele origin: germline.
Comment: This variant is classified as likely benign based on ACMG/AMP sequence variant interpretation guidelines (Richards et al. 2015 PMID: 25741868, with internal and published modifications).

Blueprint Genetics
Classification: Likely benign. Last evaluated: 2022-11-11. Review status: criteria provided, single submitter. Criteria: ACMG Guidelines, 2015. Collection method: clinical testing. Allele origin: germline.

NM_003560.4(PLA2G6):c.945C>T (p.Ser315=)

Gene: PLA2G6 (phospholipase A2 group VI; minus strand). Cytogenetic location: 22q13.1.
Variant type: single nucleotide variant.
Coding change: c.945C>T on transcript NM_003560.4 (MANE Select); coding-DNA position 945, C replaced by T.
Protein change: p.Ser315=; no amino-acid change (serine 315 retained).
Molecular consequence: synonymous variant.
Genome position (GRCh38, 1-based): chr22:38,132,963, G>A on the plus strand (C>T on the coding strand, the complement: PLA2G6 is on the minus strand). VCF-style: chr22-38132963-G-A. GRCh37 (hg19) VCF-style: chr22-38528970-G-A.
Other names: c.945C>T (NM_003560.2); c.945C>T, p.Ser315= (NM_001004426.3, NM_001199562.3, NM_001349864.2 and 2 more transcripts); c.411C>T, p.Ser137= (NM_001349867.2, NM_001349869.2); c.267C>T, p.Ser89= (NM_001349868.2).
Identifiers: ClinVar variation 2694116 (VCV002694116.5), dbSNP rs145413099, ClinGen allele CA10231086.